The following is an entry in ClinVar:

NM_198994.3(TGM6):c.1326G>T (p.Lys442Asn)

Gene: TGM6 (transglutaminase 6; plus strand). Cytogenetic location: 20p13.
Variant type: single nucleotide variant.
Coding change: c.1326G>T on transcript NM_198994.3 (MANE Select); coding-DNA position 1326, G replaced by T.
Protein change: p.Lys442Asn; replaces lysine 442 with asparagine.
Molecular consequence: missense variant.
Genome position (GRCh38, 1-based): chr20:2,403,813, G>T. VCF-style: chr20-2403813-G-T. GRCh37 (hg19) VCF-style: chr20-2384459-G-T.
Other names: c.1326G>T, p.Lys442Asn (NM_001254734.2); short protein forms K442N.
Identifiers: ClinVar variation 3768733 (VCV003768733.1).

ClinVar aggregate classification (germline): Uncertain significance (1 of 4 stars; one submission).

gnomAD v4.1: 3 of 1,614,026 alleles (0.00019%); highest among the groups gnomAD compares: Non-Finnish European, 0.00025%; no homozygotes.

Submission:

Women's Health and Genetics/Laboratory Corporation of America, LabCorp
Classification: Uncertain significance. Last evaluated: 2025-02-05. Review status: criteria provided, single submitter. Criteria: LabCorp Variant Classification Summary - May 2015. Collection method: clinical testing. Allele origin: germline.
Comment: Variant summary: TGM6 c.1326G>T (p.Lys442Asn) results in a non-conservative amino acid change in the encoded protein sequence. Four of five in-silico tools predict a damaging effect of the variant on protein function. The variant was absent in 250850 control chromosomes (gnomAD). The available data on variant occurrences in the general population are insufficient to allow any conclusion about variant significance. To our knowledge, no occurrence of c.1326G>T in individuals affected with Spinocerebellar Ataxia 35 and no experimental evidence demonstrating its impact on protein function have been reported. No submitters have cited clinical-significance assessments for this variant to ClinVar. Based on the evidence outlined above, the variant was classified as uncertain significance.